The following is an entry in ClinVar:

ClinVar aggregate classification (germline): Uncertain significance (1 of 4 stars; one submission).

Conditions:
PRPH2-related disorder. Also called: PRPH2-related condition; PRPH2-related disorders. Identifiers: MedGen CN239395.

Allele frequency attached by ClinVar (database versions not stated): gnomAD exomes below 0.00001.
gnomAD v4.1: 2 of 1,610,050 alleles (0.00012%); highest among the groups gnomAD compares: Non-Finnish European, 0.00017%; no homozygotes.

Submission:

Labcorp Genetics (formerly Invitae), Labcorp
Classification: Uncertain significance for PRPH2-related disorder. Last evaluated: 2024-01-15. Review status: criteria provided, single submitter. Criteria: Invitae Variant Classification Sherloc (09022015). Collection method: clinical testing. Allele origin: germline.
Comment: This sequence change replaces methionine, which is neutral and non-polar, with threonine, which is neutral and polar, at codon 265 of the PRPH2 protein (p.Met265Thr). This variant is not present in population databases (gnomAD no frequency). This variant has not been reported in the literature in individuals affected with PRPH2-related conditions. ClinVar contains an entry for this variant (Variation ID: 1429646). Algorithms developed to predict the effect of missense changes on protein structure and function output the following: SIFT: "Not Available"; PolyPhen-2: "Benign"; Align-GVGD: "Not Available". The threonine amino acid residue is found in multiple mammalian species, which suggests that this missense change does not adversely affect protein function. In summary, the available evidence is currently insufficient to determine the role of this variant in disease. Therefore, it has been classified as a Variant of Uncertain Significance.

NM_000322.5(PRPH2):c.794T>C (p.Met265Thr)

Gene: PRPH2 (peripherin 2; minus strand). Cytogenetic location: 6p21.1.
Variant type: single nucleotide variant.
Coding change: c.794T>C on transcript NM_000322.5 (MANE Select); coding-DNA position 794, T replaced by C.
Protein change: p.Met265Thr; replaces methionine 265 with threonine.
Molecular consequence: missense variant.
Genome position (GRCh38, 1-based): chr6:42,704,399, A>G on the plus strand (T>C on the coding strand, the complement: PRPH2 is on the minus strand). VCF-style: chr6-42704399-A-G. GRCh37 (hg19) VCF-style: chr6-42672137-A-G.
Other names: short protein forms M265T.
Identifiers: ClinVar variation 1429646 (VCV001429646.8), dbSNP rs1582764600, ClinGen allele CA364134727.